The following is an entry in ClinVar:

ClinVar aggregate classification (germline): Pathogenic/Likely pathogenic. Review status: criteria provided, multiple submitters, no conflicts (2 of 4 stars). 3 submissions from 3 submitters: Pathogenic (1); Likely pathogenic (1). 1 of the submissions does not count toward it. Last evaluated 2024-10-18.

Conditions:
Bardet-Biedl syndrome 7 (BBS7). Identifiers: Orphanet 110, MedGen C1859565, MONDO:0014435, OMIM 615984.
Bardet-Biedl syndrome (BBS). Identifiers: Orphanet 110, MedGen C0752166, MONDO:0015229.
BBS7-related disorder. Also called: BBS7-related condition.

Allele frequency attached by ClinVar (database versions not stated): ExAC 0.00001.
gnomAD v4.1: 3 of 1,612,690 alleles (0.00019%); highest among the groups gnomAD compares: South Asian, 0.0033%; no homozygotes.

Submissions (3):

Blueprint Genetics
Classification: Likely pathogenic for BBS7-related disorders. Last evaluated: 2024-10-18. Review status: criteria provided, single submitter. Criteria: ACMG Guidelines, 2015. Collection method: clinical testing. Allele origin: germline. Affected: yes. Observed: 4 variant alleles.

Labcorp Genetics (formerly Invitae), Labcorp
Classification: Pathogenic for Bardet-Biedl syndrome. Last evaluated: 2022-06-08. Review status: criteria provided, single submitter. Criteria: Invitae Variant Classification Sherloc (09022015). Collection method: clinical testing. Allele origin: germline.
Comment: For these reasons, this variant has been classified as Pathogenic. Algorithms developed to predict the effect of sequence changes on RNA splicing suggest that this variant may disrupt the consensus splice site. Algorithms developed to predict the effect of missense changes on protein structure and function are either unavailable or do not agree on the potential impact of this missense change (SIFT: "Tolerated"; PolyPhen-2: "Probably Damaging"; Align-GVGD: "Class C0"). This missense change has been observed in individual(s) with Bardet-Biedl syndrome (PMID: 31469663). It has also been observed to segregate with disease in related individuals. This variant is present in population databases (rs761403504, gnomAD 0.003%). This sequence change replaces glycine, which is neutral and non-polar, with valine, which is neutral and non-polar, at codon 240 of the BBS7 protein (p.Gly240Val).

Molecular Genetics Laboratory, BC Children's and BC Women's Hospitals
Classification: Likely pathogenic for Bardet-Biedl syndrome 7. Last evaluated: 2025-08-27. Review status: no assertion criteria provided. Criteria: ACMG Guidelines, 2015. Collection method: clinical testing. Allele origin: unknown. Affected: yes. Not counted in ClinVar's aggregate classification.

Literature cited by the submitters: PubMed 31469663 (cited by Labcorp Genetics (formerly Invitae), Labcorp).

NM_176824.3(BBS7):c.719G>T (p.Gly240Val)

Gene: BBS7 (Bardet-Biedl syndrome 7; minus strand). Cytogenetic location: 4q27.
Variant type: single nucleotide variant.
Coding change: c.719G>T on transcript NM_176824.3 (MANE Select); coding-DNA position 719, G replaced by T.
Protein change: p.Gly240Val; replaces glycine 240 with valine.
Molecular consequence: missense variant.
Genome position (GRCh38, 1-based): chr4:121,853,086, C>A on the plus strand (G>T on the coding strand, the complement: BBS7 is on the minus strand). VCF-style: chr4-121853086-C-A. GRCh37 (hg19) VCF-style: chr4-122774241-C-A.
Other names: c.719G>T, p.Gly240Val (NM_018190.4); short protein forms G240V.
Identifiers: ClinVar variation 2418923 (VCV002418923.7), dbSNP rs761403504, ClinGen allele CA3064415.